The following is an entry in ClinVar:

ClinVar aggregate classification (germline): Uncertain significance (1 of 4 stars; one submission).

Submission:

GeneDx
Classification: Uncertain significance. Last evaluated: 2025-04-25. Review status: criteria provided, single submitter. Criteria: GeneDx Variant Classification Process June 2021. Collection method: clinical testing. Allele origin: germline. Affected: yes.
Comment: Not observed at significant frequency in large population cohorts (gnomAD); In silico analysis supports a deleterious effect on splicing; Has not been previously published as pathogenic or benign to our knowledge

NM_173560.4(RFX6):c.566+3A>C

Gene: RFX6 (regulatory factor X6; plus strand). Cytogenetic location: 6q22.1.
Variant type: single nucleotide variant.
Coding change: c.566+3A>C on transcript NM_173560.4 (MANE Select); 3 bases into the intron after coding-DNA position 566, A replaced by C.
Molecular consequence: intron variant.
Genome position (GRCh38, 1-based): chr6:116,882,431, A>C. VCF-style: chr6-116882431-A-C. GRCh37 (hg19) VCF-style: chr6-117203594-A-C.
Identifiers: ClinVar variation 4527501 (VCV004527501.1).